The following is an entry in ClinVar:

NM_000051.4(ATM):c.5706dup (p.Lys1903Ter)

Gene: ATM (ATM serine/threonine kinase; plus strand). Cytogenetic location: 11q22.3.
Variant type: Duplication.
Coding change: c.5706dup on transcript NM_000051.4 (MANE Select); coding-DNA position 5706, one base duplicated (T; older notation c.5706dupT).
Protein change: p.Lys1903Ter; replaces lysine 1903 with a stop codon.
Molecular consequence: nonsense.
Genome position (GRCh38, 1-based): chr11:108,307,928, T duplicated. VCF-style (leftmost placement, unchanged base first): chr11-108307927-A-AT. GRCh37 (hg19) VCF-style: chr11-108178654-A-AT.
Other names: c.5706dupT (NM_000051.3); c.5706dup, p.Lys1903Ter (NM_001351834.2); short protein forms K1903*.
Identifiers: ClinVar variation 2700470 (VCV002700470.4), dbSNP rs2547005490, ClinGen allele CA2615859572.

ClinVar aggregate classification (germline): Pathogenic. Review status: criteria provided, multiple submitters, no conflicts (2 of 4 stars). 2 submissions from 2 submitters: Pathogenic (2). Last evaluated 2025-09-24.

Conditions:
Ataxia-telangiectasia syndrome (AT). Also called: Cerebello-oculocutaneous telangiectasia; Immunodeficiency with ataxia telangiectasia; Ataxia-telangiectasia, complementation group E; LOUIS-BAR SYNDROME; Ataxia telangiectasia (A-T); AT, COMPLEMENTATION GROUP C. Identifiers: Orphanet 100, MedGen C0004135, MONDO:0008840, OMIM 208900.
Hereditary cancer-predisposing syndrome. Also called: Hereditary Cancer Syndrome; Hereditary neoplastic syndrome; Neoplastic Syndromes, Hereditary; Tumor predisposition. Identifiers: Orphanet 140162, MedGen C0027672, MeSH D009386, MONDO:0015356.

Allele frequency attached by ClinVar (database versions not stated): gnomAD exomes below 0.00001.

Submissions (2):

Ambry Genetics
Classification: Pathogenic for Hereditary cancer-predisposing syndrome. Last evaluated: 2025-09-24. Review status: criteria provided, single submitter. Criteria: Ambry Variant Classification Scheme 2023. Collection method: clinical testing. Allele origin: germline.
Comment: The c.5706dupT pathogenic mutation, located in coding exon 37 of the ATM gene, results from a duplication of T at nucleotide position 5706, causing a translational frameshift with a predicted alternate stop codon (p.K1903*). This variant is considered to be rare based on population cohorts in the Genome Aggregation Database (gnomAD). This alteration is expected to result in loss of function by premature protein truncation or nonsense-mediated mRNA decay. As such, this alteration is interpreted as a disease-causing mutation.

Labcorp Genetics (formerly Invitae), Labcorp
Classification: Pathogenic for Ataxia-telangiectasia syndrome. Last evaluated: 2023-12-02. Review status: criteria provided, single submitter. Criteria: Invitae Variant Classification Sherloc (09022015). Collection method: clinical testing. Allele origin: germline.
Comment: This sequence change creates a premature translational stop signal (p.Lys1903*) in the ATM gene. It is expected to result in an absent or disrupted protein product. Loss-of-function variants in ATM are known to be pathogenic (PMID: 23807571, 25614872). This variant is not present in population databases (gnomAD no frequency). This variant has not been reported in the literature in individuals affected with ATM-related conditions. For these reasons, this variant has been classified as Pathogenic.

Literature cited by the submitters: PubMed 23807571 (cited by Labcorp Genetics (formerly Invitae), Labcorp); PubMed 25614872 (cited by Labcorp Genetics (formerly Invitae), Labcorp).